The following is an entry in ClinVar:

ClinVar aggregate classification (germline): Pathogenic. Review status: reviewed by expert panel (3 of 4 stars). 2 submissions from 2 submitters: Pathogenic (1). 1 of the submissions does not count toward it. Last evaluated 2016-09-08.

Conditions:
Breast-ovarian cancer, familial, susceptibility to, 2 (BROVCA2). Also called: BRCA2 Hereditary Breast and Ovarian Cancer. Identifiers: Orphanet 145, MedGen C2675520, MONDO:0012933, OMIM 612555. Disease mechanism: loss of function.

Submissions (2):

Evidence-based Network for the Interpretation of Germline Mutant Alleles (ENIGMA)
Classification: Pathogenic for Breast-ovarian cancer, familial, susceptibility to, 2. Last evaluated: 2016-09-08. Review status: reviewed by expert panel. Criteria: ENIGMA BRCA1/2 Classification Criteria (2015). Collection method: curation. Allele origin: germline.
Comment: Variant allele predicted to encode a truncated non-functional protein.

Breast Cancer Information Core (BIC) (BRCA2)
Classification: Pathogenic for Breast-ovarian cancer, familial 2. Last evaluated: 1999-12-30. Review status: no assertion criteria provided. Collection method: clinical testing. Allele origin: germline. Affected: yes. Observed: 1 variant allele. Not counted in ClinVar's aggregate classification.

NM_000059.4(BRCA2):c.5070_5073del (p.Lys1690fs)

Gene: BRCA2 (BRCA2 DNA repair associated; plus strand). Cytogenetic location: 13q13.1.
Variant type: Deletion.
Coding change: c.5070_5073del on transcript NM_000059.4 (MANE Select); coding-DNA positions 5070 to 5073, 4 bases deleted (AAAA; older notation c.5070_5073delAAAA).
Protein change: p.Lys1690fs; shifts the reading frame from lysine 1690.
Molecular consequence: frameshift variant.
Genome position (GRCh38, 1-based): chr13:32,339,425-32,339,428, AAAA deleted; deleting any 4 consecutive bases within chr13:32,339,422-32,339,428 gives the same sequence; the c. name uses the placement nearest the transcript's 3' end. VCF-style (leftmost placement, unchanged base first): chr13-32339421-CAAAA-C. GRCh37 (hg19) VCF-style: chr13-32913558-CAAAA-C.
Other names: 5296del4; c.5070_5073delAAAA (NM_000059.3); short protein forms K1690fs.
Identifiers: ClinVar variation 254549 (VCV000254549.4), dbSNP rs80359479, ClinGen allele CA021198.